The following is an entry in ClinVar:

ClinVar aggregate classification (germline): Likely benign. Review status: criteria provided, multiple submitters, no conflicts (2 of 4 stars). 2 submissions from 2 submitters: Likely benign (2). Last evaluated 2025-06-03.

Conditions:
Autosomal recessive distal spinal muscular atrophy 1. Also called: HMN VI; NEURONOPATHY, SEVERE INFANTILE AXONAL, WITH RESPIRATORY FAILURE; SEVERE INFANTILE AXONAL NEUROPATHY WITH RESPIRATORY FAILURE; SPINAL MUSCULAR ATROPHY, DIAPHRAGMATIC; NEURONOPATHY, DISTAL HEREDITARY MOTOR, HARDING TYPE VI; NEUROPATHY, DISTAL HEREDITARY MOTOR, AUTOSOMAL RECESSIVE 1. Identifiers: Orphanet 98920, MedGen C1858517, MONDO:0011436, OMIM 604320.
Charcot-Marie-Tooth disease axonal type 2S. Also called: CHARCOT-MARIE-TOOTH DISEASE, AXONAL, AUTOSOMAL RECESSIVE, TYPE 2S; CHARCOT-MARIE-TOOTH NEUROPATHY, TYPE 2S. Identifiers: Orphanet 443073, MedGen C4015349, MONDO:0014511, OMIM 616155.

Allele frequency attached by ClinVar (database versions not stated): TOPMed 0.00002.
gnomAD v4.1: 22 of 1,607,942 alleles (0.0014%); highest among the groups gnomAD compares: Middle Eastern, 0.016%; no homozygotes.

Submissions (2):

Labcorp Genetics (formerly Invitae), Labcorp
Classification: Likely benign for Autosomal recessive distal spinal muscular atrophy 1; Charcot-Marie-Tooth disease axonal type 2S. Last evaluated: 2025-06-03. Review status: criteria provided, single submitter. Criteria: Invitae Variant Classification Sherloc (09022015). Collection method: clinical testing. Allele origin: germline.

CeGaT Center for Human Genetics Tuebingen
Classification: Likely benign. Last evaluated: 2023-06-01. Review status: criteria provided, single submitter. Criteria: CeGaT Center For Human Genetics Tuebingen Variant Classification Criteria Version 2. Collection method: clinical testing. Allele origin: germline. Affected: yes. Observed: 1 variant allele.
Comment: IGHMBP2: BP4, BP7

NM_002180.3(IGHMBP2):c.1479C>G (p.Thr493=)

Gene: IGHMBP2 (immunoglobulin mu DNA binding protein 2; plus strand). Cytogenetic location: 11q13.3.
Variant type: single nucleotide variant.
Coding change: c.1479C>G on transcript NM_002180.3 (MANE Select); coding-DNA position 1479, C replaced by G.
Protein change: p.Thr493=; no amino-acid change (threonine 493 retained).
Molecular consequence: synonymous variant.
Genome position (GRCh38, 1-based): chr11:68,933,855, C>G. VCF-style: chr11-68933855-C-G. GRCh37 (hg19) VCF-style: chr11-68701323-C-G.
Identifiers: ClinVar variation 782207 (VCV000782207.32), dbSNP rs370367228, ClinGen allele CA6153655.